The following is an entry in ClinVar:

ClinVar aggregate classification (germline): Likely benign (1 of 4 stars; one submission).

Submission:

Mayo Clinic Laboratories, Mayo Clinic
Classification: Likely benign. Last evaluated: 2025-11-12. Review status: criteria provided, single submitter. Criteria: ACMG Guidelines, 2015. Collection method: clinical testing. Allele origin: germline. Observed: 2 variant alleles.
Comment: BP4, BP7, PM2_supporting

NM_001364905.1(LRBA):c.8205T>C (p.Ile2735=)

Gene: LRBA (LPS responsive beige-like anchor protein; minus strand). Cytogenetic location: 4q31.3.
Variant type: single nucleotide variant.
Coding change: c.8205T>C on transcript NM_001364905.1 (MANE Select); coding-DNA position 8205, T replaced by C.
Protein change: p.Ile2735=; no amino-acid change (isoleucine 2735 retained).
Molecular consequence: synonymous variant.
Genome position (GRCh38, 1-based): chr4:150,282,561, A>G on the plus strand (T>C on the coding strand, the complement: LRBA is on the minus strand). VCF-style: chr4-150282561-A-G. GRCh37 (hg19) VCF-style: chr4-151203713-A-G.
Other names: p.Ile2746=; c.8202T>C, p.Ile2734= (NM_001199282.3); c.8220T>C, p.Ile2740= (NM_001367550.1, NM_001440431.1); c.8253T>C, p.Ile2751= (NM_001440430.1); c.1923T>C, p.Ile641= (NM_001440432.1); c.1917T>C, p.Ile639= (NM_001440433.1); c.8238T>C, p.Ile2746= (NM_006726.5).
Identifiers: ClinVar variation 4684808 (VCV004684808.1).